The following is an entry in ClinVar:

ClinVar aggregate classification (germline): Pathogenic. Review status: reviewed by expert panel (3 of 4 stars). 6 submissions from 3 submitters: Pathogenic (1). 5 of the submissions do not count toward it. Last evaluated 2025-08-01.

Conditions:
RPGR-related retinopathy. Also called: RPGR retinopathy. Identifiers: MedGen CN305589, MONDO:0100437.
Retinitis pigmentosa 3. Also called: CHOROIDORETINAL DEGENERATION WITH RETINAL REFLEX IN HETEROZYGOUS WOMEN. Identifiers: Orphanet 791, MedGen C1845667, MONDO:0010227, OMIM 300029.
X-linked cone-rod dystrophy 1 (CORDX1). Identifiers: Orphanet 1872, MedGen C1844776, MONDO:0010566, OMIM 304020.
Retinitis pigmentosa, X-linked, and sinorespiratory infections, with or without deafness (RPSRDF). Identifiers: Orphanet 247522, MedGen C2749137, OMIM 300455.
Macular degeneration, X-linked atrophic. Identifiers: Orphanet 1872, MedGen C3151784, MONDO:0010443, OMIM 300834.

Submissions (6):

ClinGen X-linked Inherited Retinal Disease Variant Curation Expert Panel, ClinGen
Classification: Pathogenic for RPGR-related retinopathy. Last evaluated: 2025-08-01. Review status: reviewed by expert panel. Criteria: ClinGen X LinkedIRD ACMG Specifications RPGR V1.0.0. Collection method: curation. Allele origin: germline. Inheritance: X-linked inheritance.
Comment: NM_001034853.2(RPGR):c.1302dup (p.Leu435SerfsTer18) is a frameshift variant due to 1-nucleotide duplication in exon 11 of 15 introducing a premature stop codon after 18 amino acids, which is predicted to trigger nonsense-mediated decay (PVS1). This variant is absent from hemizygous individuals in gnomAD v4.1.0 (PM2_Supporting). At least one proband harboring this variant exhibits a phenotype including a family history consistent with X-linked inheritance (2 pts) with female relatives presenting with a milder phenotype (1 pt), early onset (1 pt), electroretinogram responses consistent with diagnosis of retinitis pigmentosa (0.5 pts), night blindness (0.5 pts), progressive visual loss (0.5 pts), hearing loss, and genotyping by whole exome sequencing that did not identify an alternative basis for retinal disease (2 pts), which together are specific for RPGR-related retinopathy (7.5 points, PMID: 38404254, PP4). In summary, this variant is classified as pathogenic for RPGR-related retinopathy based on the ClinGen X-linked Inherited Retinal Disease Expert Panel Specifications to the ACMG/AMP Variant Interpretation Guidelines for RPGR Version 1.0.0; PVS1, PM2_Supporting, and PP4. (date of approval 05/16/2025).

Wangler Lab, Baylor College of Medicine
Classification: Likely pathogenic for Retinitis pigmentosa, X-linked, and sinorespiratory infections, with or without deafness. Last evaluated: 2022-06-22. Review status: criteria provided, single submitter. Criteria: ACMG Guidelines, 2015. Collection method: research. Allele origin: unknown. Inheritance: X-linked dominant inheritance. Affected: yes. Observed: 1 hemizygote. Not counted in ClinVar's aggregate classification.
Comment: This single nucleotide duplication at c.1302 (p.L435Sfs*18) in RPGR has not been observed in population databases (PM2).This frameshift variant is located in exon 11 of 19 and is predicted to be deleterious. The resulting frameshift is predicted to result in nonsense mediated decay which has been described as a mechanism of disease (PVS1)(PMID:8673101). This variant was seen on exome through the Texome Project (R01HG011795) and determine to be likely pathogenic.

Baylor Genetics
Classification: Likely pathogenic for Retinitis pigmentosa, X-linked, and sinorespiratory infections, with or without deafness. Last evaluated: 2022-05-10. Review status: criteria provided, single submitter. Criteria: ACMG Guidelines, 2015. Collection method: clinical testing. Allele origin: unknown. Not counted in ClinVar's aggregate classification.

Baylor Genetics
Classification: Likely pathogenic for Macular degeneration, X-linked atrophic. Last evaluated: 2022-05-10. Review status: criteria provided, single submitter. Criteria: ACMG Guidelines, 2015. Collection method: clinical testing. Allele origin: unknown. Not counted in ClinVar's aggregate classification.

Baylor Genetics
Classification: Likely pathogenic for X-linked cone-rod dystrophy 1. Last evaluated: 2022-05-10. Review status: criteria provided, single submitter. Criteria: ACMG Guidelines, 2015. Collection method: clinical testing. Allele origin: unknown. Not counted in ClinVar's aggregate classification.

Baylor Genetics
Classification: Likely pathogenic for Retinitis pigmentosa 3. Last evaluated: 2022-05-10. Review status: criteria provided, single submitter. Criteria: ACMG Guidelines, 2015. Collection method: clinical testing. Allele origin: unknown. Not counted in ClinVar's aggregate classification.

Literature cited by the submitters: PubMed 8673101 (cited by Wangler Lab, Baylor College of Medicine).

NM_001034853.2(RPGR):c.1302dup (p.Leu435fs)

Gene: RPGR (retinitis pigmentosa GTPase regulator; minus strand). Cytogenetic location: Xp11.4.
Variant type: Duplication.
Coding change: c.1302dup on transcript NM_001034853.2 (MANE Select); coding-DNA position 1302, one base duplicated (T; older notation c.1302dupT).
Protein change: p.Leu435fs; shifts the reading frame from leucine 435.
Molecular consequence: frameshift variant. On other transcripts: non-coding transcript variant (6).
Genome position (GRCh38, 1-based): chrX:38,297,396, A duplicated on the plus strand (T on the coding strand, the reverse complement: RPGR is on the minus strand). VCF-style (leftmost placement, unchanged base first): chrX-38297395-G-GA. GRCh37 (hg19) VCF-style: chrX-38156648-G-GA.
Other names: NM_001034853.2(RPGR):c.1302dup; p.Leu435fs; c.1302dup, p.Leu435fs (NM_000328.3, NM_001367247.1); c.1299dup, p.Leu434fs (NM_001367245.1, NM_001367249.1, NM_001367250.1); c.1116dup, p.Leu373fs (NM_001367246.1, NM_001367251.1); c.1332dup, p.Leu445fs (NM_001367248.1); short protein forms L373fs, L434fs, L435fs, L445fs.
Identifiers: ClinVar variation 1707409 (VCV001707409.4), dbSNP rs2519822979, ClinGen allele CA2580100850.
Genomic context (GRCh38, chrX:38,297,395, plus strand): 5'-GGTTTCTCTCAGAACATCGTGGAAAGACTGAATTGGGGAGAAAACAAGCAGAAAGGCCAA[G>GA]AGTCCCTTCTATTGGAGGTAGTGTTCTCCTCATTGAAAAAGAATCTGGAGACCTCTCCTT-3'